The following is an entry in ClinVar:

ClinVar aggregate classification (germline): Uncertain significance (1 of 4 stars; one submission).

Allele frequency attached by ClinVar (database versions not stated): gnomAD exomes below 0.00001.
gnomAD v4.1: 1 of 1,613,970 alleles (0.000062%); highest among the groups gnomAD compares: Middle Eastern, 0.017%; no homozygotes.

Submission:

Labcorp Genetics (formerly Invitae), Labcorp
Classification: Uncertain significance. Last evaluated: 2023-05-15. Review status: criteria provided, single submitter. Criteria: Invitae Variant Classification Sherloc (09022015). Collection method: clinical testing. Allele origin: germline.
Comment: In summary, the available evidence is currently insufficient to determine the role of this variant in disease. Therefore, it has been classified as a Variant of Uncertain Significance. Advanced modeling of protein sequence and biophysical properties (such as structural, functional, and spatial information, amino acid conservation, physicochemical variation, residue mobility, and thermodynamic stability) performed at Invitae indicates that this missense variant is not expected to disrupt ATF6 protein function. ClinVar contains an entry for this variant (Variation ID: 1514415). This variant has not been reported in the literature in individuals affected with ATF6-related conditions. This variant is not present in population databases (gnomAD no frequency). This sequence change replaces threonine, which is neutral and polar, with alanine, which is neutral and non-polar, at codon 232 of the ATF6 protein (p.Thr232Ala).

NM_007348.4(ATF6):c.694A>G (p.Thr232Ala)

Gene: ATF6 (activating transcription factor 6; plus strand). Cytogenetic location: 1q23.3.
Variant type: single nucleotide variant.
Coding change: c.694A>G on transcript NM_007348.4 (MANE Select); coding-DNA position 694, A replaced by G.
Protein change: p.Thr232Ala; replaces threonine 232 with alanine.
Molecular consequence: missense variant.
Genome position (GRCh38, 1-based): chr1:161,802,057, A>G. VCF-style: chr1-161802057-A-G. GRCh37 (hg19) VCF-style: chr1-161771847-A-G.
Other names: short protein forms T232A.
Identifiers: ClinVar variation 1514415 (VCV001514415.6), dbSNP rs2101755091, ClinGen allele CA343388516.